The following is an entry in ClinVar:

NM_003680.4(YARS1):c.125C>T (p.Thr42Met)

Gene: YARS1 (tyrosyl-tRNA synthetase 1; minus strand). Cytogenetic location: 1p35.1.
Variant type: single nucleotide variant.
Coding change: c.125C>T on transcript NM_003680.4 (MANE Select); coding-DNA position 125, C replaced by T.
Protein change: p.Thr42Met; replaces threonine 42 with methionine.
Molecular consequence: missense variant.
Genome position (GRCh38, 1-based): chr1:32,810,990, G>A on the plus strand (C>T on the coding strand, the complement: YARS1 is on the minus strand). VCF-style: chr1-32810990-G-A. GRCh37 (hg19) VCF-style: chr1-33276591-G-A.
Other names: short protein forms T42M.
Identifiers: ClinVar variation 1800074 (VCV001800074.7), dbSNP rs767340610, ClinGen allele CA745280.

ClinVar aggregate classification (germline): Uncertain significance. Review status: criteria provided, multiple submitters, no conflicts (2 of 4 stars). 2 submissions from 2 submitters: Uncertain significance (2). Last evaluated 2024-03-14.

Conditions:
Inborn genetic diseases. Identifiers: MedGen C0950123, MeSH D030342.
Charcot-Marie-Tooth disease dominant intermediate C (CMTDIC). Also called: CHARCOT-MARIE-TOOTH NEUROPATHY, DOMINANT INTERMEDIATE C. Identifiers: Orphanet 100045, MedGen C1842237, MONDO:0012012, OMIM 608323.

Allele frequency attached by ClinVar (database versions not stated): ExAC 0.00001; gnomAD 0.00002; gnomAD exomes 0.00002.

Submissions (2):

Labcorp Genetics (formerly Invitae), Labcorp
Classification: Uncertain significance for Charcot-Marie-Tooth disease dominant intermediate C. Last evaluated: 2024-03-14. Review status: criteria provided, single submitter. Criteria: Invitae Variant Classification Sherloc (09022015). Collection method: clinical testing. Allele origin: germline.
Comment: This sequence change replaces threonine, which is neutral and polar, with methionine, which is neutral and non-polar, at codon 42 of the YARS protein (p.Thr42Met). This variant is present in population databases (rs767340610, gnomAD 0.003%). This variant has not been reported in the literature in individuals affected with YARS-related conditions. ClinVar contains an entry for this variant (Variation ID: 1800074). Advanced modeling of protein sequence and biophysical properties (such as structural, functional, and spatial information, amino acid conservation, physicochemical variation, residue mobility, and thermodynamic stability) performed at Invitae indicates that this missense variant is expected to disrupt YARS protein function with a positive predictive value of 80%. In summary, the available evidence is currently insufficient to determine the role of this variant in disease. Therefore, it has been classified as a Variant of Uncertain Significance.

Ambry Genetics
Classification: Uncertain significance for Inborn genetic diseases. Last evaluated: 2020-10-13. Review status: criteria provided, single submitter. Criteria: Ambry Variant Classification Scheme 2023. Collection method: clinical testing. Allele origin: germline.
Comment: The p.T42M variant (also known as c.125C>T), located in coding exon 2 of the YARS gene, results from a C to T substitution at nucleotide position 125. The threonine at codon 42 is replaced by methionine, an amino acid with similar properties. This amino acid position is highly conserved in available vertebrate species. In addition, this alteration is predicted to be deleterious by in silico analysis. Since supporting evidence is limited at this time, the clinical significance of this alteration remains unclear.